The following is an entry in ClinVar:

ClinVar aggregate classification (germline): Uncertain significance. Review status: criteria provided, multiple submitters, no conflicts (2 of 4 stars). 2 submissions from 2 submitters: Uncertain significance (2). Last evaluated 2025-07-07.

Allele frequency attached by ClinVar (database versions not stated): ExAC 0.00001; gnomAD exomes 0.00001 and 0.00004; TOPMed 0.00006; gnomAD 0.00008 and 0.00009.
gnomAD v4.1: 30 of 1,614,088 alleles (0.0019%); highest among the groups gnomAD compares: Admixed American, 0.033%; no homozygotes.

Submissions (2):

Labcorp Genetics (formerly Invitae), Labcorp
Classification: Uncertain significance. Last evaluated: 2025-07-07. Review status: criteria provided, single submitter. Criteria: Invitae Variant Classification Sherloc (09022015). Collection method: clinical testing. Allele origin: germline.
Comment: This sequence change replaces arginine, which is basic and polar, with threonine, which is neutral and polar, at codon 62 of the EXOSC2 protein (p.Arg62Thr). This variant is present in population databases (rs748977410, gnomAD 0.02%). This variant has not been reported in the literature in individuals affected with EXOSC2-related conditions. ClinVar contains an entry for this variant (Variation ID: 1024889). Invitae Evidence Modeling of protein sequence and biophysical properties (such as structural, functional, and spatial information, amino acid conservation, physicochemical variation, residue mobility, and thermodynamic stability) indicates that this missense variant is not expected to disrupt EXOSC2 protein function with a negative predictive value of 80%. In summary, the available evidence is currently insufficient to determine the role of this variant in disease. Therefore, it has been classified as a Variant of Uncertain Significance.

Ambry Genetics
Classification: Uncertain significance. Last evaluated: 2022-10-12. Review status: criteria provided, single submitter. Criteria: Ambry Variant Classification Scheme 2023. Collection method: clinical testing. Allele origin: germline.

NM_014285.7(EXOSC2):c.185G>C (p.Arg62Thr)

Gene: EXOSC2 (exosome component 2; plus strand). Cytogenetic location: 9q34.12.
Variant type: single nucleotide variant.
Coding change: c.185G>C on transcript NM_014285.7 (MANE Select); coding-DNA position 185, G replaced by C.
Protein change: p.Arg62Thr; replaces arginine 62 with threonine.
Molecular consequence: missense variant. On other transcripts: non-coding transcript variant (1).
Genome position (GRCh38, 1-based): chr9:130,695,554, G>C. VCF-style: chr9-130695554-G-C. GRCh37 (hg19) VCF-style: chr9-133570941-G-C.
Other names: c.185G>C, p.Arg62Thr (NM_001282708.1, NM_001282709.1); c.185G>C (NM_014285.5); short protein forms R62T.
Identifiers: ClinVar variation 1024889 (VCV001024889.9), dbSNP rs748977410, ClinGen allele CA5284767.